The following is an entry in ClinVar:

ClinVar aggregate classification (germline): Uncertain significance. Review status: criteria provided, multiple submitters, no conflicts (2 of 4 stars). 2 submissions from 2 submitters: Uncertain significance (2). Last evaluated 2025-05-07.

Conditions:
Inborn genetic diseases. Identifiers: MedGen C0950123, MeSH D030342.

Allele frequency attached by ClinVar (database versions not stated): gnomAD 0.00001; gnomAD exomes 0.00002; TOPMed 0.00002.
gnomAD v4.1: 29 of 1,537,254 alleles (0.0019%); highest among the groups gnomAD compares: Non-Finnish European, 0.0024%; no homozygotes.

Submissions (2):

Ambry Genetics
Classification: Uncertain significance for Inborn genetic diseases. Last evaluated: 2025-05-07. Review status: criteria provided, single submitter. Criteria: Ambry Variant Classification Scheme 2023. Collection method: clinical testing. Allele origin: germline.

Labcorp Genetics (formerly Invitae), Labcorp
Classification: Uncertain significance. Last evaluated: 2022-10-01. Review status: criteria provided, single submitter. Criteria: Invitae Variant Classification Sherloc (09022015). Collection method: clinical testing. Allele origin: germline.
Comment: In summary, the available evidence is currently insufficient to determine the role of this variant in disease. Therefore, it has been classified as a Variant of Uncertain Significance. Advanced modeling of protein sequence and biophysical properties (such as structural, functional, and spatial information, amino acid conservation, physicochemical variation, residue mobility, and thermodynamic stability) performed at Invitae indicates that this missense variant is not expected to disrupt PIEZO2 protein function. This variant has not been reported in the literature in individuals affected with PIEZO2-related conditions. This variant is present in population databases (no rsID available, gnomAD 0.002%). This sequence change replaces lysine, which is basic and polar, with isoleucine, which is neutral and non-polar, at codon 371 of the PIEZO2 protein (p.Lys371Ile).

NM_001378183.1(PIEZO2):c.1112A>T (p.Lys371Ile)

Gene: PIEZO2 (piezo type mechanosensitive ion channel component 2; minus strand). Cytogenetic location: 18p11.22.
Variant type: single nucleotide variant.
Coding change: c.1112A>T on transcript NM_001378183.1 (MANE Select); coding-DNA position 1112, A replaced by T.
Protein change: p.Lys371Ile; replaces lysine 371 with isoleucine.
Molecular consequence: missense variant.
Genome position (GRCh38, 1-based): chr18:10,803,963, T>A on the plus strand (A>T on the coding strand, the complement: PIEZO2 is on the minus strand). VCF-style: chr18-10803963-T-A. GRCh37 (hg19) VCF-style: chr18-10803961-T-A.
Other names: c.1112A>T, p.Lys371Ile (NM_001410871.1, NM_022068.4); c.1112A>T (NM_022068.2); short protein forms K371I.
Identifiers: ClinVar variation 1920084 (VCV001920084.6), dbSNP rs1265711106, ClinGen allele CA401925882.